The following is an entry in ClinVar:

NM_000038.6(APC):c.1248C>A (p.Tyr416Ter)

Gene: APC (APC regulator of Wnt signaling pathway; plus strand). Cytogenetic location: 5q22.2.
Variant type: single nucleotide variant.
Coding change: c.1248C>A on transcript NM_000038.6 (MANE Select); coding-DNA position 1248, C replaced by A.
Protein change: p.Tyr416Ter; replaces tyrosine 416 with a stop codon.
Molecular consequence: nonsense.
Genome position (GRCh38, 1-based): chr5:112,819,280, C>A. VCF-style: chr5-112819280-C-A. GRCh37 (hg19) VCF-style: chr5-112154977-C-A.
Other names: c.1071C>A, p.Tyr357Ter (NM_001354901.2, NM_001354900.2, NM_001407453.1); c.975C>A, p.Tyr325Ter (NM_001354902.2); c.768C>A, p.Tyr256Ter (NM_001354905.2); c.399C>A, p.Tyr133Ter (NM_001354906.2, NM_001407470.1); c.1278C>A, p.Tyr426Ter (NM_001407446.1, NM_001354897.2); c.870C>A, p.Tyr290Ter (NM_001354904.2); c.945C>A, p.Tyr315Ter (NM_001354903.2, NM_001407454.1, NM_001407455.1 and 5 more transcripts); c.1248C>A, p.Tyr416Ter (NM_001127510.3, NM_001354895.2, NM_001354896.2 and 4 more transcripts); and 5 more; short protein forms Y357*, Y398*, Y416*, Y426*, Y133*, Y256*, Y287*, Y388*.
Identifiers: ClinVar variation 1759941 (VCV001759941.8), dbSNP rs2149783185, ClinGen allele CA16024031.
Genomic context (GRCh38, chr5:112,819,280, plus strand): 5'-TGACAAGAGAGGCAGGCGTGAAATCCGAGTCCTTCATCTTTTGGAACAGATACGCGCTTA[C>A]TGTGAAACCTGTTGGGAGTGGCAGGAAGCTCATGAACCAGGCATGGACCAGGACAAAAAT-3'

ClinVar aggregate classification (germline): Pathogenic. Review status: criteria provided, multiple submitters, no conflicts (2 of 4 stars). 3 submissions from 3 submitters: Pathogenic (3). Last evaluated 2025-10-01.

Conditions:
Hereditary cancer-predisposing syndrome. Also called: Neoplastic Syndromes, Hereditary; Tumor predisposition; Hereditary Cancer Syndrome; Hereditary neoplastic syndrome. Identifiers: Orphanet 140162, MedGen C0027672, MeSH D009386, MONDO:0015356.
Familial adenomatous polyposis 1 (FAP1). Also called: FAMILIAL ADENOMATOUS POLYPOSIS 1, ATTENUATED; POLYPOSIS, ADENOMATOUS INTESTINAL. Identifiers: MedGen C2713442, MONDO:0021056, OMIM 175100. Disease mechanism: loss of function.

Submissions (3):

Labcorp Genetics (formerly Invitae), Labcorp
Classification: Pathogenic for Familial adenomatous polyposis 1. Last evaluated: 2025-10-01. Review status: criteria provided, single submitter. Criteria: Invitae Variant Classification Sherloc (09022015). Collection method: clinical testing. Allele origin: germline.
Comment: This sequence change creates a premature translational stop signal (p.Tyr416*) in the APC gene. It is expected to result in an absent or disrupted protein product. Loss-of-function variants in APC are known to be pathogenic (PMID: 17963004, 20685668). This variant is not present in population databases (gnomAD no frequency). This premature translational stop signal has been observed in individual(s) with familial adenomatous polyposis (PMID: 11960572). ClinVar contains an entry for this variant (Variation ID: 1759941). For these reasons, this variant has been classified as Pathogenic.

Myriad Genetics, Inc.
Classification: Pathogenic for Familial adenomatous polyposis 1. Last evaluated: 2023-05-01. Review status: criteria provided, single submitter. Criteria: Myriad Autosomal Dominant, Autosomal Recessive and X-Linked Classification Criteria (2023). Collection method: clinical testing. Allele origin: unknown.
Comment: This variant is considered pathogenic. This variant creates a termination codon and is predicted to result in premature protein truncation.

Ambry Genetics
Classification: Pathogenic for Hereditary cancer-predisposing syndrome. Last evaluated: 2022-07-17. Review status: criteria provided, single submitter. Criteria: Ambry Variant Classification Scheme 2023. Collection method: clinical testing. Allele origin: germline.
Comment: The p.Y416* pathogenic mutation (also known as c.1248C>A), located in coding exon 9 of the APC gene, results from a C to A substitution at nucleotide position 1248. This changes the amino acid from a tyrosine to a stop codon within coding exon 9. This alteration has been reported in individuals with familial adenomatous polyposis (FAP) (Wu G et al. Genet Test, 2001;5:281-90; Out AA et al. Fam Cancer, 2015 Jun;14:247-57; Ambry internal data). This variant is considered to be rare based on population cohorts in the Genome Aggregation Database (gnomAD). In addition to the clinical data presented in the literature, this alteration is expected to result in loss of function by premature protein truncation or nonsense-mediated mRNA decay. As such, this alteration is interpreted as a disease-causing mutation.

Literature cited by the submitters: PubMed 17963004 (cited by Labcorp Genetics (formerly Invitae), Labcorp); PubMed 20685668 (cited by Labcorp Genetics (formerly Invitae), Labcorp); PubMed 11960572 (cited by Labcorp Genetics (formerly Invitae), Labcorp and Ambry Genetics); PubMed 25604157 (cited by Ambry Genetics).